The following is an entry in ClinVar:

NM_015443.4(KANSL1):c.1245_1250del (p.Glu416_Glu417del)

Gene: KANSL1 (KAT8 regulatory NSL complex subunit 1). Cytogenetic location: 17q21.31.
Variant type: Deletion.
Coding change: c.1245_1250del on transcript NM_015443.4 (MANE Select); coding-DNA positions 1245 to 1250, 6 bases deleted.
Protein change: p.Glu416_Glu417del.
Molecular consequence: inframe deletion. On other transcripts: intron variant (4).
Genome position: GRCh38 VCF-style: chr17-46170893-TTCTTCC-T. GRCh37 (hg19) VCF-style: chr17-44248259-TTCTTCC-T.
Other names: c.1245_1250del, p.Glu416_Glu417del (NM_001405855.1, NM_001405856.1, NM_001405857.1 and 18 more transcripts); c.23+52772_23+52777del (NM_001405885.1, NM_001405884.1, NM_001405883.1 and 1 more transcripts).
Identifiers: ClinVar variation 4056513 (VCV004056513.1).
Genomic context (GRCh38, chr17:46,170,893, plus strand): 5'-ATCATGCATGAGGTCTACTCACAGGGGTACATGACGCTGCTCGGGATCAGCTCTGGTCAG[TTCTTCC>T]TCTTCAATATCAGACTCCCCTCCTGAACTACTGTCAGTGACATCTGAATCAAATGCCTGT-3'

ClinVar aggregate classification (germline): Uncertain significance (1 of 4 stars; one submission).

Conditions:
Koolen-de Vries syndrome (KDVS). Identifiers: Orphanet 96169, MedGen C1864871, MONDO:0012496, OMIM 610443.

Submission:

Laboratorio de Genetica e Diagnostico Molecular, Hospital Israelita Albert Einstein
Classification: Uncertain significance for Koolen-de Vries syndrome. Last evaluated: 2024-03-28. Review status: criteria provided, single submitter. Criteria: ACMG Guidelines, 2015. Collection method: clinical testing. Allele origin: germline. Affected: yes.
Comment: ACMG classification criteria: PM2 supporting